The following is an entry in ClinVar:

ClinVar aggregate classification (germline): Uncertain significance (1 of 4 stars; one submission).

Allele frequency attached by ClinVar (database versions not stated): TOPMed below 0.00001; ExAC 0.00001; gnomAD 0.00001; gnomAD exomes 0.00001.
gnomAD v4.1: 10 of 1,613,984 alleles (0.00062%); highest among the groups gnomAD compares: South Asian, 0.0011%; no homozygotes.

Submission:

Labcorp Genetics (formerly Invitae), Labcorp
Classification: Uncertain significance. Last evaluated: 2023-04-30. Review status: criteria provided, single submitter. Criteria: Invitae Variant Classification Sherloc (09022015). Collection method: clinical testing. Allele origin: germline.
Comment: This sequence change replaces alanine, which is neutral and non-polar, with glycine, which is neutral and non-polar, at codon 1219 of the ERBB4 protein (p.Ala1219Gly). This variant is present in population databases (rs750691942, gnomAD 0.003%). This variant has not been reported in the literature in individuals affected with ERBB4-related conditions. An algorithm developed to predict the effect of missense changes on protein structure and function (PolyPhen-2) suggests that this variant is likely to be tolerated. Algorithms developed to predict the effect of sequence changes on RNA splicing suggest that this variant may create or strengthen a splice site. In summary, the available evidence is currently insufficient to determine the role of this variant in disease. Therefore, it has been classified as a Variant of Uncertain Significance.

NM_005235.3(ERBB4):c.3656C>G (p.Ala1219Gly)

Gene: ERBB4 (erb-b2 receptor tyrosine kinase 4; minus strand). Cytogenetic location: 2q34.
Variant type: single nucleotide variant.
Coding change: c.3656C>G on transcript NM_005235.3 (MANE Select); coding-DNA position 3656, C replaced by G.
Protein change: p.Ala1219Gly; replaces alanine 1219 with glycine.
Molecular consequence: missense variant.
Genome position (GRCh38, 1-based): chr2:211,383,886, G>C on the plus strand (C>G on the coding strand, the complement: ERBB4 is on the minus strand). VCF-style: chr2-211383886-G-C. GRCh37 (hg19) VCF-style: chr2-212248611-G-C.
Other names: c.3608C>G, p.Ala1203Gly (NM_001042599.2); short protein forms A1219G, A1203G.
Identifiers: ClinVar variation 2715991 (VCV002715991.3), dbSNP rs750691942, ClinGen allele CA2087384.